The following is an entry in ClinVar:

NM_000836.4(GRIN2D):c.1813G>T (p.Glu605Ter)

Gene: GRIN2D (glutamate ionotropic receptor NMDA type subunit 2D; plus strand). Cytogenetic location: 19q13.33.
Variant type: single nucleotide variant.
Coding change: c.1813G>T on transcript NM_000836.4 (MANE Select); coding-DNA position 1813, G replaced by T.
Protein change: p.Glu605Ter; replaces glutamic acid 605 with a stop codon.
Molecular consequence: nonsense.
Genome position (GRCh38, 1-based): chr19:48,419,311, G>T. VCF-style: chr19-48419311-G-T. GRCh37 (hg19) VCF-style: chr19-48922568-G-T.
Other names: short protein forms E605*.
Identifiers: ClinVar variation 2833315 (VCV002833315.4), dbSNP rs2147455389, ClinGen allele CA406697462.

ClinVar aggregate classification (germline): Uncertain significance (1 of 4 stars; one submission).

Submissions (2):

Labcorp Genetics (formerly Invitae), Labcorp
Classification: Uncertain significance. Last evaluated: 2023-04-09. Review status: criteria provided, single submitter. Criteria: Invitae Variant Classification Sherloc (09022015). Collection method: clinical testing. Allele origin: germline.
Comment: This variant is not present in population databases (gnomAD no frequency). This variant has not been reported in the literature in individuals affected with GRIN2D-related conditions. Algorithms developed to predict the effect of sequence changes on RNA splicing suggest that this variant may disrupt the consensus splice site. In summary, the available evidence is currently insufficient to determine the role of this variant in disease. Therefore, it has been classified as a Variant of Uncertain Significance. This sequence change creates a premature translational stop signal (p.Glu605*) in the GRIN2D gene. It is expected to result in an absent or disrupted protein product. However, the current clinical and genetic evidence is not sufficient to establish whether loss-of-function variants in GRIN2D cause disease.

Dr. Peter K. Rogan Lab, Western University
No classification provided (evidence only). Condition: Melanoma. Review status: no classification provided. Collection method: in vitro. Allele origin: not applicable. Functional consequence: retained intron. Not counted in ClinVar's aggregate classification.